The following is an entry in ClinVar:

ClinVar aggregate classification (germline): Uncertain significance (1 of 4 stars; one submission).

Allele frequency attached by ClinVar (database versions not stated): gnomAD exomes below 0.00001.
gnomAD v4.1: 1 of 1,613,864 alleles (0.000062%); highest among the groups gnomAD compares: Non-Finnish European, 0.000085%; no homozygotes.

Submission:

CeGaT Center for Human Genetics Tuebingen
Classification: Uncertain significance. Last evaluated: 2022-10-01. Review status: criteria provided, single submitter. Criteria: CeGaT Center For Human Genetics Tuebingen Variant Classification Criteria Version 2. Collection method: clinical testing. Allele origin: germline. Affected: yes. Observed: 1 variant allele.
Comment: TDP1: PM2, BP4

NM_018319.4(TDP1):c.604-6A>G

Gene: TDP1 (tyrosyl-DNA phosphodiesterase 1; plus strand). Cytogenetic location: 14q32.11.
Variant type: single nucleotide variant.
Coding change: c.604-6A>G on transcript NM_018319.4 (MANE Select); 6 bases into the intron before coding-DNA position 604, A replaced by G.
Molecular consequence: intron variant.
Genome position (GRCh38, 1-based): chr14:89,967,361, A>G. VCF-style: chr14-89967361-A-G. GRCh37 (hg19) VCF-style: chr14-90433705-A-G.
Other names: c.604-6A>G (NM_001330205.2, NM_001008744.2).
Identifiers: ClinVar variation 2644445 (VCV002644445.24), dbSNP rs2503846393, ClinGen allele CA2626050069.